The following is an entry in ClinVar:

ClinVar aggregate classification (germline): Uncertain significance (1 of 4 stars; one submission).

Submission:

Labcorp Genetics (formerly Invitae), Labcorp
Classification: Uncertain significance. Last evaluated: 2024-07-15. Review status: criteria provided, single submitter. Criteria: Invitae Variant Classification Sherloc (09022015). Collection method: clinical testing. Allele origin: germline.
Comment: This sequence change replaces glycine, which is neutral and non-polar, with arginine, which is basic and polar, at codon 282 of the KMT2B protein (p.Gly282Arg). This variant is not present in population databases (gnomAD no frequency). This variant has not been reported in the literature in individuals affected with KMT2B-related conditions. Advanced modeling of protein sequence and biophysical properties (such as structural, functional, and spatial information, amino acid conservation, physicochemical variation, residue mobility, and thermodynamic stability) performed at Invitae indicates that this missense variant is not expected to disrupt KMT2B protein function with a negative predictive value of 95%. In summary, the available evidence is currently insufficient to determine the role of this variant in disease. Therefore, it has been classified as a Variant of Uncertain Significance.

NM_014727.3(KMT2B):c.844G>C (p.Gly282Arg)

Gene: KMT2B (lysine methyltransferase 2B; plus strand). Cytogenetic location: 19q13.12.
Variant type: single nucleotide variant.
Coding change: c.844G>C on transcript NM_014727.3 (MANE Select); coding-DNA position 844, G replaced by C.
Protein change: p.Gly282Arg; replaces glycine 282 with arginine.
Molecular consequence: missense variant.
Genome position (GRCh38, 1-based): chr19:35,720,191, G>C. VCF-style: chr19-35720191-G-C. GRCh37 (hg19) VCF-style: chr19-36211093-G-C.
Other names: short protein forms G282R.
Identifiers: ClinVar variation 3659519 (VCV003659519.2).
Genomic context (GRCh38, chr19:35,720,191, plus strand): 5'-CAGACTGGCAGCTGGAAATGCAAGGAGGGGCCCGGTCCAGGACCTGGGACCCCCAGGCGT[G>C]GAGGACAGTCAAGCCGTGGAGGCCGTGGAGGCAGGGGCCGCGGCCGAGGTGGTGGGCTCC-3'
Protein context (NP_055542.1, residues 272-292): PGPGPGTPRR[Gly282Arg]GQSSRGGRGG